The following is an entry in ClinVar:

NM_001267550.2(TTN):c.70383_70386del (p.Ile23461fs)

Genes: TTN (titin; minus strand), TTN-AS1 (TTN antisense RNA 1; plus strand), LOC126806422 (BRD4-independent group 4 enhancer GRCh37_chr2:179440205-179441404; plus strand). Cytogenetic location: 2q31.2.
Variant type: Deletion.
Coding change: c.70383_70386del on transcript NM_001267550.2 (MANE Select); coding-DNA positions 70383 to 70386, 4 bases deleted (AGAT; older notation c.70383_70386delAGAT).
Protein change: p.Ile23461fs; shifts the reading frame from isoleucine 23461.
Molecular consequence: frameshift variant.
Genome position (GRCh38, 1-based): chr2:178,575,746-178,575,749, ATCT deleted on the plus strand (AGAT on the coding strand, the reverse complement: TTN is on the minus strand); deleting any 4 consecutive bases within chr2:178,575,746-178,575,752 gives the same sequence; the c. name uses the placement nearest the transcript's 3' end. VCF-style (leftmost placement, unchanged base first): chr2-178575745-CATCT-C. GRCh37 (hg19) VCF-style: chr2-179440472-CATCT-C.
Other names: c.65460_65463del, p.Ile21820fs (NM_001256850.1); c.70380_70383delGATA, p.Ile23461Metfs (NM_001267550.1); c.43188_43191del, p.Ile14396fs (NM_003319.4); c.62679_62682del, p.Ile20893fs (NM_133378.4); c.43563_43566del, p.Ile14521fs (NM_133432.3); c.43764_43767del, p.Ile14588fs (NM_133437.4); short protein forms I14396fs, I14521fs, I14588fs, I20893fs, I21820fs, I23461fs.
Identifiers: ClinVar variation 2502578 (VCV002502578.2), dbSNP rs2468695547, ClinGen allele CA2580614565.

ClinVar aggregate classification (germline): Pathogenic (1 of 4 stars; one submission).

Submission:

GeneDx
Classification: Pathogenic. Last evaluated: 2024-12-06. Review status: criteria provided, single submitter. Criteria: GeneDx Variant Classification Process June 2021. Collection method: clinical testing. Allele origin: germline.
Comment: Frameshift variant predicted to result in protein truncation or nonsense mediated decay in a gene for which loss of function is a known mechanism of disease; Located in the A-band region of TTN in which the majority of loss of function variants have been associated with autosomal dominant titinopathies (PMID: 22335739); Not observed at significant frequency in large population cohorts (gnomAD); Has not been previously published as pathogenic or benign to our knowledge; This variant is associated with the following publications: (PMID: 22335739)